The following is an entry in ClinVar:

ClinVar aggregate classification (germline): Conflicting classifications of pathogenicity. Review status: criteria provided, conflicting classifications (1 of 4 stars). 10 submissions from 10 submitters: Uncertain significance (4); Likely benign (3). 3 of the submissions do not count toward it. Last evaluated 2026-02-03.

Conditions:
Hereditary nonpolyposis colorectal neoplasms. Identifiers: MedGen C0009405, MeSH D003123.
MSH6-related disorder. Also called: MSH6-Related disorders; MSH6-related condition.
Hereditary cancer-predisposing syndrome. Also called: Hereditary Cancer Syndrome; Neoplastic Syndromes, Hereditary; Hereditary neoplastic syndrome; Tumor predisposition. Identifiers: Orphanet 140162, MedGen C0027672, MeSH D009386, MONDO:0015356.
Mismatch repair cancer syndrome 3. Identifiers: MedGen C5436807, MONDO:0030841, OMIM 619097.
Lynch syndrome 5 (LYNCH5). Also called: Colorectal cancer, hereditary nonpolyposis, type 5; Hereditary non-polyposis colorectal cancer, type 5. Identifiers: Orphanet 144, MedGen C1833477, MONDO:0013710, OMIM 614350. Disease mechanism: loss of function.
Lynch syndrome. Identifiers: Orphanet 144, MedGen C4552100, MONDO:0005835. Disease mechanism: loss of function.

Allele frequency attached by ClinVar (database versions not stated): gnomAD 0.00001; ExAC 0.00003; TOPMed 0.00003; gnomAD exomes 0.00005 and 0.00006; ESP Exome Variant Server 0.00008.
gnomAD v4.1: 86 of 1,613,978 alleles (0.0053%); highest among the groups gnomAD compares: Non-Finnish European, 0.0069%; no homozygotes.

Submissions (10):

Labcorp Genetics (formerly Invitae), Labcorp
Classification: Likely benign for Hereditary nonpolyposis colorectal neoplasms. Last evaluated: 2026-02-03. Review status: criteria provided, single submitter. Criteria: Invitae Variant Classification Sherloc (09022015). Collection method: clinical testing. Allele origin: germline.

Women's Health and Genetics/Laboratory Corporation of America, LabCorp
Classification: Uncertain significance. Last evaluated: 2025-07-24. Review status: criteria provided, single submitter. Criteria: LabCorp Variant Classification Summary - May 2015. Collection method: clinical testing. Allele origin: germline.
Comment: Variant summary: MSH6 c.2827G>T (p.Asp943Tyr) results in a non-conservative amino acid change in the encoded protein sequence. Algorithms developed to predict the effect of missense changes on protein structure and function all suggest that this variant is likely to be disruptive. The variant allele was found at a frequency of 4.8e-05 in 250490 control chromosomes. This frequency is not significantly higher than estimated for a pathogenic variant in MSH6 causing Lynch Syndrome (4.8e-05 vs 0.00014), allowing no conclusion about variant significance. c.2827G>T has been observed in individual(s) affected with pancreatic, colorectal, or breast cancer (Grant_2015, Pearlman_2021, Tung_2015, Bhai_2021). These report(s) do not provide unequivocal conclusions about association of the variant with Lynch Syndrome. To our knowledge, no experimental evidence demonstrating an impact on protein function has been reported. The following publications have been ascertained in the context of this evaluation (PMID: 34326862, 25479140, 34250417, 25186627). ClinVar contains an entry for this variant (Variation ID: 142495). Based on the evidence outlined above, the variant was classified as uncertain significance.

Myriad Genetics, Inc.
Classification: Likely benign for Lynch syndrome 5. Last evaluated: 2025-01-03. Review status: criteria provided, single submitter. Criteria: Myriad Autosomal Dominant, Autosomal Recessive and X-Linked Classification Criteria (2023). Collection method: clinical testing. Allele origin: unknown.
Comment: This variant is considered likely benign. This variant is strongly associated with less severe personal and family histories of cancer, typical for individuals without pathogenic variants in this gene [PMID: 27363726].

GeneDx
Classification: Uncertain significance. Last evaluated: 2024-12-29. Review status: criteria provided, single submitter. Criteria: GeneDx Variant Classification Process June 2021. Collection method: clinical testing. Allele origin: germline. Affected: yes.
Comment: In silico analysis supports that this missense variant has a deleterious effect on protein structure/function; Observed in individuals with a personal or family history of breast, colorectal, and/or pancreatic cancer (PMID: 25479140, 25186627, 34326862, 33471991, Walker et al. 2023.); This variant is associated with the following publications: (PMID: 23621914, 25186627, 25479140, 34326862, Walker2023[article], 17531815, 21120944, 33471991)

All of Us Research Program, National Institutes of Health
Classification: Uncertain significance for Lynch syndrome. Last evaluated: 2024-07-29. Review status: criteria provided, single submitter. Criteria: ACMG Guidelines, 2015. Collection method: clinical testing. Allele origin: germline. Inheritance: Autosomal dominant inheritance. Observed: 11 variant alleles, 11 heterozygotes.
Comment: This missense variant replaces aspartic acid with tyrosine at codon 943 of the MSH6 protein. Computational prediction suggests that this variant may have deleterious impact on protein structure and function (internally defined REVEL score threshold >= 0.7, PMID: 27666373). To our knowledge, functional studies have not been reported for this variant. This variant has been reported in an individual affected with pancreatic cancer (PMID: 25479140) and at least 5 individuals affected with breast cancer (PMID: 25186627, 33471991, LOVD variant #0000747836). This variant has been identified in 13/281888 chromosomes in the general population by the Genome Aggregation Database (gnomAD). The available evidence is insufficient to determine the role of this variant in disease conclusively. Therefore, this variant is classified as a Variant of Uncertain Significance.

This study involves interpretation of variants in research participants for the purpose of population health screening. Participant phenotype was not available at the time of variant classification. Additional details can be found in publication PMID: 35346344, PMCID: PMC8962531

Color Diagnostics, LLC DBA Color Health
Classification: Uncertain significance for Hereditary cancer-predisposing syndrome. Last evaluated: 2024-04-29. Review status: criteria provided, single submitter. Criteria: ACMG Guidelines, 2015. Collection method: clinical testing. Allele origin: germline.
Comment: This missense variant replaces aspartic acid with tyrosine at codon 943 of the MSH6 protein. Computational prediction suggests that this variant may have deleterious impact on protein structure and function (internally defined REVEL score threshold >= 0.7, PMID: 27666373). To our knowledge, functional studies have not been reported for this variant. This variant has been reported in an individual affected with pancreatic cancer (PMID: 25479140) and at least 5 individuals affected with breast cancer (PMID: 25186627, 33471991). This variant has been identified in 13/281888 chromosomes in the general population by the Genome Aggregation Database (gnomAD). The available evidence is insufficient to determine the role of this variant in disease conclusively. Therefore, this variant is classified as a Variant of Uncertain Significance.

Ambry Genetics
Classification: Likely benign for Hereditary cancer-predisposing syndrome. Last evaluated: 2019-08-15. Review status: criteria provided, single submitter. Criteria: Ambry Variant Classification Scheme 2023. Collection method: clinical testing. Allele origin: germline.

PreventionGenetics, part of Exact Sciences
Classification: Uncertain significance for MSH6-related condition. Last evaluated: 2024-03-09. Review status: no assertion criteria provided. Collection method: clinical testing. Allele origin: germline. Not counted in ClinVar's aggregate classification.
Comment: The MSH6 c.2827G>T variant is predicted to result in the amino acid substitution p.Asp943Tyr. This variant has been reported in individuals with breast cancer (Table S2, Tung et al. 2014. PubMed ID: 25186627; Table S4, Bhai et al. 2021. PubMed ID: 34326862; Supplemental File, Breast Cancer Association Consortium et al 2021. PubMed ID: 33471991) or pancreatic cancer (Table S1, Grant et al. 2014. PubMed ID: 25479140). In each of these reports this variant was reported along with the MSH6 c.2027A>G (p.Lys676Arg) variant suggesting they are on the same allele. This variant is reported in 0.010% of alleles in individuals of European (Non-Finnish) descent in gnomAD and has conflicting interpretations in ClinVar of likely benign and uncertain. Although we suspect that this variant may be benign, at this time, the clinical significance of this variant is uncertain due to the absence of conclusive functional and genetic evidence.

Counsyl
Classification: Uncertain significance for Lynch syndrome 5. Last evaluated: 2016-08-23. Review status: no assertion criteria provided. Collection method: clinical testing. Allele origin: unknown. Not counted in ClinVar's aggregate classification.

Department of Pathology and Laboratory Medicine, Sinai Health System
Classification: Uncertain significance for Lynch syndrome. Review status: no assertion criteria provided. Collection method: clinical testing. Allele origin: unknown. Affected: yes. Study: The Canadian Open Genetics Repository (COGR). Not counted in ClinVar's aggregate classification.
Comment: The MSH6 p.Asp943Tyr variant was identified in 1 of 580 proband chromosomes (frequency: 0.002) from individuals or families with pancreatic cancer (Grant_2015_25479140). A bioinformatics tool, CoDP (Combination of the Different Properties) integrating the prediction results of three methods (MAPP, PolyPhen-2 and SIFT) and two structural properties, found the variant impacted the MSH6 protein (Terui_2013_23621914). The variant was also identified in dbSNP (ID: rs143520357) â€šÃ„ÃºWith Uncertain significance alleleâ€šÃ„Ã¹, ClinVar (classified as uncertain significance by Ambry Genetics, GeneDx, Invitae, Counsyl, Color Genomics), Clinvitae (4x), and in control databases in 13 of 276196 chromosomes at a frequency of 0.00005 (Genome Aggregation Database Feb 27, 2017). It was identified in the European Non-Finnish population in 13 of 125940 chromosomes (freq: 0.0001); and was not observed in the African, Other, Latino, Ashkenazi Jewish, East Asian, European Finnish and South Asian populations. The variant was not identified in the COGR, Cosmic, MutDB, UMD-LSDB, Insight Colon Cancer Gene Variant Database, Zhejiang Colon Cancer Database, Mismatch Repair Genes Variant Database or the Insight Hereditary Tumors Database. The p.Asp943 residue is conserved in mammals but not in more distantly related organisms, and four out of five computational analyses (PolyPhen-2, SIFT, AlignGVGD, BLOSUM, MutationTaster) suggest that the Tyr variant may impact the protein; however, this information is not predictive enough to assume pathogenicity. The variant occurs outside of the splicing consensus sequence and 1 of 5 in silico or computational prediction software programs (SpliceSiteFinder, MaxEntScan, NNSPLICE, GeneSplicer, HumanSpliceFinder) predict a greater than 10% difference in splicing; this is not very predictive of pathogenicity. In summary, based on the above information the clinical significance of this variant cannot be determined with certainty at this time. This variant is classified as a variant of uncertain significance.

Literature cited by the submitters: PubMed 25479140 (cited by 4 submitters); PubMed 25186627 (cited by 4 submitters); PubMed 34250417 (cited by Women's Health and Genetics/Laboratory Corporation of America, LabCorp); PubMed 34326862 (cited by Women's Health and Genetics/Laboratory Corporation of America, LabCorp); PubMed 27363726 (cited by Myriad Genetics, Inc.); PubMed 33471991 (cited by All of Us Research Program, National Institutes of Health and Color Diagnostics, LLC DBA Color Health); PubMed 23621914 (cited by Ambry Genetics).

NM_000179.3(MSH6):c.2827G>T (p.Asp943Tyr)

Gene: MSH6 (mutS homolog 6; plus strand). Cytogenetic location: 2p16.3.
Variant type: single nucleotide variant.
Coding change: c.2827G>T on transcript NM_000179.3 (MANE Select); coding-DNA position 2827, G replaced by T.
Protein change: p.Asp943Tyr; replaces aspartic acid 943 with tyrosine.
Molecular consequence: missense variant.
Genome position (GRCh38, 1-based): chr2:47,800,810, G>T. VCF-style: chr2-47800810-G-T. GRCh37 (hg19) VCF-style: chr2-48027949-G-T.
Other names: p.D943Y:GAC>TAC; c.2437G>T, p.Asp813Tyr (NM_001281492.2); c.1921G>T, p.Asp641Tyr (NM_001281493.2, NM_001281494.2); short protein forms D943Y, D813Y, D641Y.
Identifiers: ClinVar variation 142495 (VCV000142495.37), dbSNP rs143520357, ClinGen allele CA010974.